The following is an entry in ClinVar:

ClinVar aggregate classification (germline): Pathogenic (1 of 4 stars; one submission).

Conditions:
Bardet-Biedl syndrome 7 (BBS7). Identifiers: Orphanet 110, MedGen C1859565, MONDO:0014435, OMIM 615984.

gnomAD v4.1: 1 of 1,610,992 alleles (0.000062%); highest among the groups gnomAD compares: Admixed American, 0.0017%; no homozygotes.

Submission:

3billion
Classification: Pathogenic for Bardet-Biedl syndrome 7. Last evaluated: 2025-02-12. Review status: criteria provided, single submitter. Criteria: ACMG Guidelines, 2015. Collection method: clinical testing. Allele origin: germline. Affected: yes.
Comment: The variant is observed at an extremely low frequency in the gnomAD v4.1.0 dataset (total allele frequency: <0.001%). Predicted Consequence/Location: Canonical splice site: predicted to alter splicing and result in a loss or disruption of normal protein function. Multiple pathogenic loss-of-function variants are reported downstream of the variant. In silico tools predict the variant to alter splicing and produce an abnormal transcript [SpliceAI: 1.00 (spliceogenicity >=0.2, non-spliceogenicity <0.1)]. The variant has been reported as of uncertain significance (PMID: 31964843). Therefore, this variant is classified as Pathogenic according to the recommendation of ACMG/AMP guideline.

NM_176824.3(BBS7):c.102+1G>A

Gene: BBS7 (Bardet-Biedl syndrome 7; minus strand). Cytogenetic location: 4q27.
Variant type: single nucleotide variant.
Coding change: c.102+1G>A on transcript NM_176824.3 (MANE Select); the canonical splice donor site of the intron after coding-DNA position 102, G replaced by A.
Molecular consequence: splice donor variant.
Genome position (GRCh38, 1-based): chr4:121,867,980, C>T on the plus strand (G>A on the coding strand, the complement: BBS7 is on the minus strand). VCF-style: chr4-121867980-C-T. GRCh37 (hg19) VCF-style: chr4-122789135-C-T.
Other names: c.102+1G>A (NM_018190.4).
Identifiers: ClinVar variation 4292563 (VCV004292563.1).